The following is an entry in ClinVar:

ClinVar aggregate classification (germline): Conflicting classifications of pathogenicity. Review status: criteria provided, conflicting classifications (1 of 4 stars). 2 submissions from 2 submitters: Uncertain significance (1); Likely benign (1). Last evaluated 2025-03-11.

Conditions:
Heterotopia, periventricular, X-linked dominant (PVNH1). Also called: PERIVENTRICULAR NODULAR HETEROTOPIA 4; HETEROTOPIA, PERIVENTRICULAR, 1; PERIVENTRICULAR NODULAR HETEROTOPIA 1; X-linked periventricular heterotopia. Identifiers: Orphanet 2149, Orphanet 82004, MedGen C1848213, MONDO:0010233, OMIM 300049.
Oto-palato-digital syndrome, type II (OPD2). Also called: Otopalatodigital Syndrome, Type II; Otopalatodigital Syndrome Type 2 (FLNA-OPD2); OPD II SYNDROME; FACIOPALATOOSSEOUS SYNDROME. Identifiers: Orphanet 669, Orphanet 90652, MedGen C1844696, MONDO:0010571, OMIM 304120.
Melnick-Needles syndrome (MNS). Also called: Melnick-Needles Syndrome (FLNA-MNS); MELNICK-NEEDLES OSTEODYSPLASTY; OSTEODYSPLASTY OF MELNICK AND NEEDLES. Identifiers: Orphanet 2484, MedGen C0025237, MONDO:0010650, OMIM 309350.
Frontometaphyseal dysplasia (FMD1). Identifiers: Orphanet 1826, MedGen C0265293, MONDO:0015942.
FLNA-related disorder.

Allele frequency attached by ClinVar (database versions not stated): gnomAD exomes below 0.00001.

Submissions (2):

PreventionGenetics, part of Exact Sciences
Classification: Uncertain significance for FLNA-related condition. Last evaluated: 2025-03-11. Review status: criteria provided, single submitter. Criteria: ACMG Guidelines, 2015. Collection method: clinical testing. Allele origin: germline.
Comment: The FLNA c.1299G>C variant is predicted to result in the amino acid substitution p.Gln433His. To our knowledge, this variant has not been reported in the literature. This variant is reported in 0.0037% of alleles in individuals of Latino descent in gnomAD. At this time, the clinical significance of this variant is uncertain due to the absence of conclusive functional and genetic evidence.

Labcorp Genetics (formerly Invitae), Labcorp
Classification: Likely benign for Oto-palato-digital syndrome, type II; Heterotopia, periventricular, X-linked dominant; Frontometaphyseal dysplasia; Melnick-Needles syndrome. Last evaluated: 2022-12-15. Review status: criteria provided, single submitter. Criteria: Invitae Variant Classification Sherloc (09022015). Collection method: clinical testing. Allele origin: germline.

NM_001110556.2(FLNA):c.1299G>C (p.Gln433His)

Gene: FLNA (filamin A; minus strand). Cytogenetic location: Xq28.
Variant type: single nucleotide variant.
Coding change: c.1299G>C on transcript NM_001110556.2 (MANE Select); coding-DNA position 1299, G replaced by C.
Protein change: p.Gln433His; replaces glutamine 433 with histidine.
Molecular consequence: missense variant.
Genome position (GRCh38, 1-based): chrX:154,366,154, C>G on the plus strand (G>C on the coding strand, the complement: FLNA is on the minus strand). VCF-style: chrX-154366154-C-G. GRCh37 (hg19) VCF-style: chrX-153594522-C-G.
Other names: c.1299G>C, p.Gln433His (NM_001456.4); c.1299G>C (NM_001110556.1); short protein forms Q433H.
Identifiers: ClinVar variation 2938615 (VCV002938615.4), dbSNP rs1557179203, ClinGen allele CA415243877.